The following is an entry in ClinVar:

NM_001366385.1(CARD14):c.3010C>T (p.Arg1004Ter)

Genes: SGSH (N-sulfoglucosamine sulfohydrolase; minus strand), CARD14 (caspase recruitment domain family member 14; plus strand). Cytogenetic location: 17q25.3.
Variant type: single nucleotide variant.
Coding change: c.3010C>T on transcript NM_001366385.1 (MANE Select); coding-DNA position 3010, C replaced by T.
Protein change: p.Arg1004Ter; replaces arginine 1004 with a stop codon.
Molecular consequence: nonsense. On other transcripts: non-coding transcript variant (1).
Genome position (GRCh38, 1-based): chr17:80,208,340, C>T. VCF-style: chr17-80208340-C-T. GRCh37 (hg19) VCF-style: chr17-78182139-C-T.
Other names: c.3010C>T, p.Arg1004Ter (NM_024110.4); short protein forms R1004*.
Identifiers: ClinVar variation 1004740 (VCV001004740.7), dbSNP rs781476504, ClinGen allele CA8817536.

ClinVar aggregate classification (germline): Uncertain significance (1 of 4 stars; one submission).

Conditions:
Pityriasis rubra pilaris (PRP). Also called: Pityriasis rubra pilaris--familial type. Identifiers: Orphanet 2897, MedGen C0032027, MONDO:0100017, OMIM 173200, MONDO:0008251.
Psoriasis 2. Identifiers: MedGen C1864497, MONDO:0011269, OMIM 602723.

Allele frequency attached by ClinVar (database versions not stated): gnomAD 0.00003.
gnomAD v4.1: 16 of 1,592,834 alleles (0.001%); highest among the groups gnomAD compares: African/African-American, 0.0027%; no homozygotes.

Submission:

Labcorp Genetics (formerly Invitae), Labcorp
Classification: Uncertain significance for Pityriasis rubra pilaris; Psoriasis 2. Last evaluated: 2025-11-12. Review status: criteria provided, single submitter. Criteria: Invitae Variant Classification Sherloc (09022015). Collection method: clinical testing. Allele origin: germline.
Comment: This sequence change creates a premature translational stop signal (p.Arg1004*) in the CARD14 gene. While this is not anticipated to result in nonsense mediated decay, it is expected to disrupt the last 1 amino acid(s) of the CARD14 protein. The frequency data for this variant in the population databases is considered unreliable, as metrics indicate poor data quality at this position in the gnomAD database. This variant has not been reported in the literature in individuals affected with CARD14-related conditions. ClinVar contains an entry for this variant (Variation ID: 1004740). Experimental studies and prediction algorithms are not available or were not evaluated, and the functional significance of this variant is currently unknown. In summary, the available evidence is currently insufficient to determine the role of this variant in disease. Therefore, it has been classified as a Variant of Uncertain Significance.